The following is an entry in ClinVar:

NM_005245.4(FAT1):c.2840T>C (p.Met947Thr)

Gene: FAT1 (FAT atypical cadherin 1; minus strand). Cytogenetic location: 4q35.2.
Variant type: single nucleotide variant.
Coding change: c.2840T>C on transcript NM_005245.4 (MANE Select); coding-DNA position 2840, T replaced by C.
Protein change: p.Met947Thr; replaces methionine 947 with threonine.
Molecular consequence: missense variant.
Genome position (GRCh38, 1-based): chr4:186,706,988, A>G on the plus strand (T>C on the coding strand, the complement: FAT1 is on the minus strand). VCF-style: chr4-186706988-A-G. GRCh37 (hg19) VCF-style: chr4-187628142-A-G.
Other names: short protein forms M947T.
Identifiers: ClinVar variation 3655226 (VCV003655226.2).

ClinVar aggregate classification (germline): Uncertain significance (1 of 4 stars; one submission).

Submission:

Labcorp Genetics (formerly Invitae), Labcorp
Classification: Uncertain significance. Last evaluated: 2024-05-31. Review status: criteria provided, single submitter. Criteria: Invitae Variant Classification Sherloc (09022015). Collection method: clinical testing. Allele origin: germline.
Comment: This sequence change replaces methionine, which is neutral and non-polar, with threonine, which is neutral and polar, at codon 947 of the FAT1 protein (p.Met947Thr). This variant is not present in population databases (gnomAD no frequency). This variant has not been reported in the literature in individuals affected with FAT1-related conditions. Advanced modeling of protein sequence and biophysical properties (such as structural, functional, and spatial information, amino acid conservation, physicochemical variation, residue mobility, and thermodynamic stability) performed at Invitae indicates that this missense variant is not expected to disrupt FAT1 protein function with a negative predictive value of 80%. In summary, the available evidence is currently insufficient to determine the role of this variant in disease. Therefore, it has been classified as a Variant of Uncertain Significance.